The following is an entry in ClinVar:

NM_000536.4(RAG2):c.501A>C (p.Arg167Ser)

Gene: RAG2 (recombination activating 2; minus strand). Cytogenetic location: 11p12.
Variant type: single nucleotide variant.
Coding change: c.501A>C on transcript NM_000536.4 (MANE Select); coding-DNA position 501, A replaced by C.
Protein change: p.Arg167Ser; replaces arginine 167 with serine.
Molecular consequence: missense variant.
Genome position (GRCh38, 1-based): chr11:36,593,668, T>G on the plus strand (A>C on the coding strand, the complement: RAG2 is on the minus strand). VCF-style: chr11-36593668-T-G. GRCh37 (hg19) VCF-style: chr11-36615218-T-G.
Other names: NM_000536.4(RAG2):c.501A>C; p.Arg167Ser; c.501A>C, p.Arg167Ser (NM_001243785.2, NM_001243786.2); short protein forms R167S.
Identifiers: ClinVar variation 857069 (VCV000857069.11), dbSNP rs1159686210, ClinGen allele CA380142798.

ClinVar aggregate classification (germline): Uncertain significance. Review status: reviewed by expert panel (3 of 4 stars). 4 submissions from 4 submitters: Uncertain significance (1). 3 of the submissions do not count toward it. Last evaluated 2024-05-14.

Conditions:
Combined immunodeficiency with skin granulomas. Identifiers: Orphanet 157949, MedGen C2673536, MONDO:0009306, OMIM 233650.
Severe combined immunodeficiency, autosomal recessive, T cell-negative, B cell-negative, NK cell-positive. Also called: SCID, AR, T-cell negative, B-cell negative, NK cell-positive; SCID, T CELL-NEGATIVE, B CELL-NEGATIVE, NK CELL-POSITIVE; Severe combined immunodeficiency due to complete RAG1/2 deficiency. Identifiers: Orphanet 331206, MedGen C1832322, MONDO:0011086, OMIM 601457.
Histiocytic medullary reticulosis. Also called: SEVERE COMBINED IMMUNODEFICIENCY WITH HYPEREOSINOPHILIA; Omenn syndrome. Identifiers: Orphanet 39041, MedGen C2700553, MONDO:0011338, OMIM 603554.
Recombinase activating gene 2 deficiency. Also called: RAG2 deficiency. Identifiers: MedGen CN257931, MONDO:0000573.

Allele frequency attached by ClinVar (database versions not stated): gnomAD exomes below 0.00001; TOPMed below 0.00001.
gnomAD v4.1: 1 of 1,614,216 alleles (0.000062%); no homozygotes.

Submissions (4):

ClinGen Severe Combined Immunodeficiency Variant Curation Expert Panel, ClinGen
Classification: Uncertain significance for Recombinase activating gene 2 deficiency. Last evaluated: 2024-05-14. Review status: reviewed by expert panel. Criteria: ClinGen SCID ACMG Specifications RAG2 V1.0.0. Collection method: curation. Allele origin: germline. Inheritance: Autosomal recessive inheritance.
Comment: The c.501A>C (NM_000536.4) variant in RAG2 is a missense variant predicted to cause the substitution of Arginine by Serine at amino acid 167 (p.Arg167Ser). The highest population minor allele frequency in gnomAD v4 is 0.0001941 (1/5152 alleles) in the Ashkenazi Jewish population. As this is a known bottleneck population, it will not be considered here for PM2_Supporting. As no other alleles have been reported in other populations, PM2 at the supporting level is applied (Absence in GnomAD). This variant is located in the core domain, amino acids 1-383 of RAG2, which is defined as a critical functional domain by the ClinGen SCID VCEP (PMID: 26996199); PM1_Supporting. This variant has been detected in one individual with SCID, reported by Invitae in ClinVar. This individual is compound heterozygous for p.Gly95Arg, a likely pathogenic variant according to SCID VCEP specifications. Both parents were tested, and the phase is confirmed: 1 point. PM3_Moderate (Internal lab contributor). No clinical features were described; Not possible to evaluate for PP4. In summary, this variant meets the criteria to be classified as a variant of uncertain significance for autosomal recessive recombinase activating gene 2 deficiency based on the ACMG/AMP criteria applied, as specified by the ClinGen SCID VCEP: PM2_Supporting, PM1_Supporting, and PM3_Moderate. (VCEP specifications version 1).

Women's Health and Genetics/Laboratory Corporation of America, LabCorp
Classification: Uncertain significance. Last evaluated: 2025-07-31. Review status: criteria provided, single submitter. Criteria: LabCorp Variant Classification Summary - May 2015. Collection method: clinical testing. Allele origin: germline. Not counted in ClinVar's aggregate classification.
Comment: Variant summary: RAG2 c.501A>C (p.Arg167Ser) results in a non-conservative amino acid change in the encoded protein sequence. Algorithms developed to predict the effect of missense changes on protein structure and function all suggest that this variant is likely to be disruptive. The variant was absent in 251170 control chromosomes. These data indicate that the variant may be associated with disease. To our knowledge, no experimental evidence demonstrating an impact on protein function has been reported. ClinVar contains an entry for this variant (Variation ID: 857069). Based on the evidence outlined above, the variant was classified as VUS-possibly pathogenic.

Labcorp Genetics (formerly Invitae), Labcorp
Classification: Likely pathogenic for Combined immunodeficiency with skin granulomas; Severe combined immunodeficiency, autosomal recessive, T cell-negative, B cell-negative, NK cell-positive. Last evaluated: 2021-04-02. Review status: criteria provided, single submitter. Criteria: Invitae Variant Classification Sherloc (09022015). Collection method: clinical testing. Allele origin: germline. Not counted in ClinVar's aggregate classification.
Comment: This variant has been observed in individual(s) with severe combined immunodeficiency (Invitae). In at least one individual the data is consistent with the variant being in trans (on the opposite chromosome) from a pathogenic variant. ClinVar contains an entry for this variant (Variation ID: 857069). Advanced modeling of protein sequence and biophysical properties (such as structural, functional, and spatial information, amino acid conservation, physicochemical variation, residue mobility, and thermodynamic stability) performed at Invitae indicates that this missense variant is expected to disrupt RAG2 protein function. In summary, the currently available evidence indicates that the variant is pathogenic, but additional data are needed to prove that conclusively. Therefore, this variant has been classified as Likely Pathogenic. This sequence change replaces arginine with serine at codon 167 of the RAG2 protein (p.Arg167Ser). The arginine residue is highly conserved and there is a moderate physicochemical difference between arginine and serine. This variant is not present in population databases (ExAC no frequency).

Natera, Inc.
Classification: Uncertain significance for Omenn syndrome. Last evaluated: 2020-01-24. Review status: no assertion criteria provided. Collection method: clinical testing. Allele origin: germline. Not counted in ClinVar's aggregate classification.